The following is an entry in ClinVar:

NM_002474.3(MYH11):c.5516C>T (p.Ala1839Val)

Genes: MYH11 (myosin heavy chain 11; minus strand), NDE1 (nudE neurodevelopment protein 1; plus strand). Cytogenetic location: 16p13.11.
Variant type: single nucleotide variant.
Coding change: c.5516C>T on transcript NM_002474.3 (MANE Select); coding-DNA position 5516, C replaced by T.
Protein change: p.Ala1839Val; replaces alanine 1839 with valine.
Molecular consequence: missense variant. On other transcripts: intron variant (2).
Genome position (GRCh38, 1-based): chr16:15,715,261, G>A on the plus strand (C>T on the coding strand, the complement: MYH11 is on the minus strand). VCF-style: chr16-15715261-G-A. GRCh37 (hg19) VCF-style: chr16-15809118-G-A.
Other names: c.5537C>T, p.Ala1846Val (NM_001040113.2, NM_001040114.2); c.5516C>T, p.Ala1839Val (NM_022844.3); c.948-8930G>A (NM_001143979.2, NM_017668.3); short protein forms A1846V, A1839V.
Identifiers: ClinVar variation 197069 (VCV000197069.57), dbSNP rs112948385, ClinGen allele CA245003.

ClinVar aggregate classification (germline): Conflicting classifications of pathogenicity. Review status: criteria provided, conflicting classifications (1 of 4 stars). 12 submissions from 12 submitters: Uncertain significance (7); Likely benign (5). Last evaluated 2026-02-03.

Conditions:
MYH11-related disorder. Also called: MYH11-related condition.
Connective tissue disorder. Also called: Connective tissue disease. Identifiers: MedGen C0009782, MONDO:0003900.
Familial thoracic aortic aneurysm and aortic dissection (TAAD). Also called: Thoracic aortic aneurysms and dissections. Identifiers: Orphanet 91387, MedGen C4707243, MONDO:0019625.
Aortic aneurysm, familial thoracic 4 (AAT4). Also called: AORTIC ANEURYSM/AORTIC DISSECTION AND PATENT DUCTUS ARTERIOSUS. Identifiers: MedGen C1851504, MONDO:0007568, OMIM 132900.

Allele frequency attached by ClinVar (database versions not stated): gnomAD 0.00013 and 0.00014; gnomAD exomes 0.00018 and 0.00022; 1000 Genomes Project 0.00020; ExAC 0.00021; TOPMed 0.00023; 1000 Genomes Project 30x 0.00031; ESP Exome Variant Server 0.00031.
gnomAD v4.1: 287 of 1,614,020 alleles (0.018%); highest among the groups gnomAD compares: Middle Eastern, 0.099%; 1 homozygote.

Submissions (13):

GeneDx
Classification: Uncertain significance. Last evaluated: 2026-02-03. Review status: criteria provided, single submitter. Criteria: GeneDx Variant Classification Process June 2021. Collection method: clinical testing. Allele origin: germline. Affected: yes.
Comment: In silico analysis suggests that this missense variant does not alter protein structure/function; Has not been previously published as pathogenic or benign to our knowledge; This variant is associated with the following publications: (PMID: 21529752)

Labcorp Genetics (formerly Invitae), Labcorp
Classification: Likely benign for Aortic aneurysm, familial thoracic 4. Last evaluated: 2026-01-25. Review status: criteria provided, single submitter. Criteria: Invitae Variant Classification Sherloc (09022015). Collection method: clinical testing. Allele origin: germline.

Ambry Genetics
Classification: Uncertain significance for Familial thoracic aortic aneurysm and aortic dissection. Last evaluated: 2025-12-21. Review status: criteria provided, single submitter. Criteria: Ambry Variant Classification Scheme 2023. Collection method: clinical testing. Allele origin: germline.
Comment: The p.A1839V variant (also known as c.5516C>T), located in coding exon 38 of the MYH11 gene, results from a C to T substitution at nucleotide position 5516. The alanine at codon 1839 is replaced by valine, an amino acid with similar properties, and is located in the coiled coil domain. This amino acid position is well conserved in available vertebrate species. In addition, this alteration is predicted to be tolerated by in silico analysis. Since supporting evidence is limited at this time, the clinical significance of this alteration remains unclear.

CeGaT Center for Human Genetics Tuebingen
Classification: Likely benign. Last evaluated: 2025-08-01. Review status: criteria provided, single submitter. Criteria: CeGaT Center For Human Genetics Tuebingen Variant Classification Criteria Version 2. Collection method: clinical testing. Allele origin: germline. Affected: yes. Observed: 3 variant alleles.
Comment: MYH11: BP4, BS2

Women's Health and Genetics/Laboratory Corporation of America, LabCorp
Classification: Likely benign. Last evaluated: 2024-11-04. Review status: criteria provided, single submitter. Criteria: LabCorp Variant Classification Summary - May 2015. Collection method: clinical testing. Allele origin: germline.
Comment: Variant summary: MYH11 c.5537C>T (p.Ala1846Val) results in a non-conservative amino acid change located in the Myosin tail domain (IPR002928) of the encoded protein sequence. Three of five in-silico tools predict a benign effect of the variant on protein function. The variant allele was found at a frequency of 0.00018 in 1614020 control chromosomes in the gnomAD database, including 1 homozygotes. The observed variant frequency is approximately 142.25 fold of the estimated maximal expected allele frequency for a pathogenic variant in MYH11 causing Aortopathy phenotype (1.3e-06). To our knowledge, no occurrence of c.5537C>T in individuals affected with Aortopathy and no experimental evidence demonstrating its impact on protein function have been reported. ClinVar contains an entry for this variant (Variation ID: 197069). Based on the evidence outlined above, the variant was classified as likely benign.

Color Diagnostics, LLC DBA Color Health
Classification: Likely benign for Familial thoracic aortic aneurysm and aortic dissection. Last evaluated: 2024-04-26. Review status: criteria provided, single submitter. Criteria: ACMG Guidelines, 2015. Collection method: clinical testing. Allele origin: germline.

PreventionGenetics, part of Exact Sciences
Classification: Uncertain significance for MYH11-related condition. Last evaluated: 2023-03-09. Review status: criteria provided, single submitter. Criteria: ACMG Guidelines, 2015. Collection method: clinical testing. Allele origin: germline.
Comment: The MYH11 c.5537C>T variant is predicted to result in the amino acid substitution p.Ala1846Val. To our knowledge, this variant has not been reported in the literature. This variant is reported in 0.087% of alleles in individuals of Ashkenazi Jewish descent in gnomAD. Although we suspect that this variant may be benign, at this time, the clinical significance of this variant is uncertain due to the absence of conclusive functional and genetic evidence.

CHEO Genetics Diagnostic Laboratory, Children's Hospital of Eastern Ontario
Classification: Uncertain significance for Familial thoracic aortic aneurysm and aortic dissection. Last evaluated: 2022-11-09. Review status: criteria provided, single submitter. Criteria: ACMG Guidelines, 2015. Collection method: clinical testing. Allele origin: germline.

Illumina Laboratory Services, Illumina
Classification: Uncertain significance for Aortic aneurysm, familial thoracic 4. Last evaluated: 2018-01-12. Review status: criteria provided, single submitter. Criteria: ICSL Variant Classification Criteria 13 December 2019. Collection method: clinical testing. Allele origin: germline.

Center for Human Genetics, Inc
Classification: Likely benign for Connective tissue disorder. Last evaluated: 2016-11-01. Review status: criteria provided, single submitter. Criteria: ACMG Guidelines, 2015. Collection method: clinical testing. Allele origin: germline. Affected: yes.

Stanford Center for Inherited Cardiovascular Disease, Stanford University
Classification: Uncertain significance. Last evaluated: 2016-07-22. Review status: criteria provided, single submitter. Criteria: ACMG Guidelines, 2015. Collection method: provider interpretation. Allele origin: germline.

Eurofins Ntd Llc (ga)
Classification: Uncertain significance. Last evaluated: 2014-09-03. Review status: criteria provided, single submitter. Criteria: EGL Classification Definitions 2015. Collection method: clinical testing. Allele origin: germline. Observed: 1 variant allele, 1 heterozygote.

Dr. Peter K. Rogan Lab, Western University
No classification provided (evidence only). Condition: Thyroid cancer, nonmedullary, 1. Review status: no classification provided. Collection method: in vitro. Allele origin: not applicable. Functional consequence: retained intron. Not counted in ClinVar's aggregate classification.